The following is an entry in ClinVar:

NM_001346754.2(PIGW):c.727A>G (p.Ile243Val)

Genes: MYO19 (myosin XIX; minus strand), PIGW (phosphatidylinositol glycan anchor biosynthesis class W; plus strand). Cytogenetic location: 17q12.
Variant type: single nucleotide variant.
Coding change: c.727A>G on transcript NM_001346754.2 (MANE Select); coding-DNA position 727, A replaced by G.
Protein change: p.Ile243Val; replaces isoleucine 243 with valine.
Molecular consequence: missense variant.
Genome position (GRCh38, 1-based): chr17:36,537,828, A>G. VCF-style: chr17-36537828-A-G. GRCh37 (hg19) VCF-style: chr17-34893677-A-G.
Other names: c.727A>G, p.Ile243Val (NM_001346755.2, NM_178517.5); c.727A>G (NM_178517.3); short protein forms I243V.
Identifiers: ClinVar variation 1497137 (VCV001497137.6), dbSNP rs752393681, ClinGen allele CA290116213.
Genomic context (GRCh38, chr17:36,537,828, plus strand): 5'-ATAGGCTATCAGGAACATTTAACAGAGTATGGAGTTCACTGGAACTTTTTCTTTACCATA[A>G]TAGTTGTGAAATTGATAACACCACTGCTGTTGATTATTTTTCCCCTAAATAAGTCCTGGA-3'
Protein context (NP_001333683.1, residues 233-253): GVHWNFFFTI[Ile243Val]VVKLITPLLL

ClinVar aggregate classification (germline): Uncertain significance. Review status: criteria provided, multiple submitters, no conflicts (2 of 4 stars). 2 submissions from 2 submitters: Uncertain significance (2). Last evaluated 2024-08-12.

Conditions:
Hyperphosphatasia with intellectual disability syndrome 5 (GPIBD11). Also called: GLYCOSYLPHOSPHATIDYLINOSITOL BIOSYNTHESIS DEFECT 11. Identifiers: Orphanet 247262, MedGen C4014958, MONDO:0014457, OMIM 616025.
Inborn genetic diseases. Identifiers: MedGen C0950123, MeSH D030342.

Allele frequency attached by ClinVar (database versions not stated): TOPMed below 0.00001; gnomAD 0.00001 and 0.00004; gnomAD exomes 0.00004 and 0.00009; ExAC 0.00007.
gnomAD v4.1: 69 of 1,614,116 alleles (0.0043%); highest among the groups gnomAD compares: South Asian, 0.058%; no homozygotes.

Submissions (2):

Ambry Genetics
Classification: Uncertain significance for Inborn genetic diseases. Last evaluated: 2024-08-12. Review status: criteria provided, single submitter. Criteria: Ambry Variant Classification Scheme 2023. Collection method: clinical testing. Allele origin: germline.

Labcorp Genetics (formerly Invitae), Labcorp
Classification: Uncertain significance for Hyperphosphatasia with intellectual disability syndrome 5. Last evaluated: 2021-08-31. Review status: criteria provided, single submitter. Criteria: Invitae Variant Classification Sherloc (09022015). Collection method: clinical testing. Allele origin: germline.
Comment: This sequence change replaces isoleucine with valine at codon 243 of the PIGW protein (p.Ile243Val). The isoleucine residue is weakly conserved and there is a small physicochemical difference between isoleucine and valine. This variant is present in population databases (rs752393681, ExAC 0.04%). This variant has not been reported in the literature in individuals affected with PIGW-related conditions. Algorithms developed to predict the effect of missense changes on protein structure and function output the following: SIFT: "Tolerated"; PolyPhen-2: "Benign"; Align-GVGD: "Class C0". The valine amino acid residue is found in multiple mammalian species, which suggests that this missense change does not adversely affect protein function. Algorithms developed to predict the effect of sequence changes on RNA splicing suggest that this variant may create or strengthen a splice site. In summary, the available evidence is currently insufficient to determine the role of this variant in disease. Therefore, it has been classified as a Variant of Uncertain Significance.